The following is an entry in ClinVar:

ClinVar aggregate classification (germline): Conflicting classifications of pathogenicity. Review status: criteria provided, conflicting classifications (1 of 4 stars). 2 submissions from 2 submitters: Uncertain significance (1); Likely benign (1). Last evaluated 2024-08-06.

Conditions:
Bloom syndrome (BLM). Also called: Bloom-Torre-Machacek syndrome. Identifiers: Orphanet 125, MedGen C0005859, MONDO:0008876, OMIM 210900.
Hereditary cancer-predisposing syndrome. Also called: Tumor predisposition; Hereditary Cancer Syndrome; Hereditary neoplastic syndrome; Neoplastic Syndromes, Hereditary. Identifiers: Orphanet 140162, MedGen C0027672, MeSH D009386, MONDO:0015356.

Allele frequency attached by ClinVar (database versions not stated): gnomAD exomes below 0.00001.
gnomAD v4.1: 1 of 1,612,890 alleles (0.000062%); highest among the groups gnomAD compares: Non-Finnish European, 0.000085%; no homozygotes.

Submissions (2):

Labcorp Genetics (formerly Invitae), Labcorp
Classification: Likely benign for Bloom syndrome. Last evaluated: 2024-08-06. Review status: criteria provided, single submitter. Criteria: Invitae Variant Classification Sherloc (09022015). Collection method: clinical testing. Allele origin: germline.

Ambry Genetics
Classification: Uncertain significance for Hereditary cancer-predisposing syndrome. Last evaluated: 2023-04-03. Review status: criteria provided, single submitter. Criteria: Ambry Variant Classification Scheme 2023. Collection method: clinical testing. Allele origin: germline.
Comment: The c.960-3C>T intronic variant results from a C to T substitution 3 nucleotides upstream from coding exon 4 in the BLM gene. This nucleotide position is poorly conserved in available vertebrate species. In silico splice site analysis predicts that this alteration will not have any significant effect on splicing. Since supporting evidence is limited at this time, the clinical significance of this alteration remains unclear.

NM_000057.4(BLM):c.960-3C>T

Gene: BLM (BLM RecQ like helicase; plus strand). Cytogenetic location: 15q26.1.
Variant type: single nucleotide variant.
Coding change: c.960-3C>T on transcript NM_000057.4 (MANE Select); 3 bases into the intron before coding-DNA position 960, C replaced by T.
Molecular consequence: intron variant.
Genome position (GRCh38, 1-based): chr15:90,754,808, C>T. VCF-style: chr15-90754808-C-T. GRCh37 (hg19) VCF-style: chr15-91298038-C-T.
Other names: c.960-3C>T (NM_000057.2, NM_001287246.2, NM_001287247.2); c.-332-3C>T (NM_001287248.2).
Identifiers: ClinVar variation 1469640 (VCV001469640.8), dbSNP rs878962653, ClinGen allele CA274731530.
Genomic context (GRCh38, chr15:90,754,808, plus strand): 5'-AAATTATACATTTATTGAGTCTAGCCTATAGTATGATTGGCTTAACATTTTTTTTATTTG[C>T]AGTACGTTAAAGGACCTTGACACCTCTGACAGAAAAGAGGATGTTCTTAGCACATCAAAA-3'